The following is an entry in ClinVar:

NM_012275.3(IL36RN):c.253A>G (p.Ile85Val)

Gene: IL36RN (interleukin 36 receptor antagonist; plus strand). Cytogenetic location: 2q14.1.
Variant type: single nucleotide variant.
Coding change: c.253A>G on transcript NM_012275.3 (MANE Select); coding-DNA position 253, A replaced by G.
Protein change: p.Ile85Val; replaces isoleucine 85 with valine.
Molecular consequence: missense variant.
Genome position (GRCh38, 1-based): chr2:113,062,462, A>G. VCF-style: chr2-113062462-A-G. GRCh37 (hg19) VCF-style: chr2-113820039-A-G.
Other names: c.253A>G, p.Ile85Val (NM_173170.1); short protein forms I85V.
Identifiers: ClinVar variation 1468546 (VCV001468546.8), dbSNP rs2105069719, ClinGen allele CA348290216.

ClinVar aggregate classification (germline): Uncertain significance (1 of 4 stars; one submission).

Conditions:
Generalized pustular psoriasis. Identifiers: Orphanet 247353, MedGen C0343055, MONDO:0100491.

Submission:

Labcorp Genetics (formerly Invitae), Labcorp
Classification: Uncertain significance for Generalized pustular psoriasis. Last evaluated: 2024-02-24. Review status: criteria provided, single submitter. Criteria: Invitae Variant Classification Sherloc (09022015). Collection method: clinical testing. Allele origin: germline.
Comment: This sequence change replaces isoleucine, which is neutral and non-polar, with valine, which is neutral and non-polar, at codon 85 of the IL36RN protein (p.Ile85Val). This variant is not present in population databases (gnomAD no frequency). This variant has not been reported in the literature in individuals affected with IL36RN-related conditions. ClinVar contains an entry for this variant (Variation ID: 1468546). Algorithms developed to predict the effect of missense changes on protein structure and function output the following: SIFT: "Not Available"; PolyPhen-2: "Benign"; Align-GVGD: "Not Available". The valine amino acid residue is found in multiple mammalian species, which suggests that this missense change does not adversely affect protein function. In summary, the available evidence is currently insufficient to determine the role of this variant in disease. Therefore, it has been classified as a Variant of Uncertain Significance.